The following is an entry in ClinVar:

NM_001308093.3(GATA4):c.27C>A (p.Ala9=)

Gene: GATA4 (GATA binding protein 4). Cytogenetic location: 8p23.1.
Variant type: single nucleotide variant.
Coding change: c.27C>A on transcript NM_001308093.3 (MANE Select); coding-DNA position 27, C replaced by A.
Protein change: p.Ala9=; no amino-acid change (alanine 9 retained).
Molecular consequence: synonymous variant. On other transcripts: intron variant (3).
Genome position (GRCh38, 1-based): chr8:11,708,339, C>A. VCF-style: chr8-11708339-C-A. GRCh37 (hg19) VCF-style: chr8-11565848-C-A.
Other names: c.27C>A, p.Ala9= (NM_002052.5); c.-6+7561C>A (NM_001308094.2); c.-3+325C>A (NM_001374274.1); c.-3+4035C>A (NM_001374273.1).
Identifiers: ClinVar variation 219231 (VCV000219231.2), dbSNP rs864321703, ClinGen allele CA347959.
Genomic context (GRCh38, chr8:11,708,339, plus strand): 5'-GAGAGGACACCGAAGCCGGGAGCTCGCAGGGACCATGTATCAGAGCTTGGCCATGGCCGC[C>A]AACCACGGGCCGCCCCCCGGTGCCTACGAGGCGGGCGGCCCCGGCGCCTTCATGCACGGC-3'
Protein context (NP_001295022.1, residues 1-19): MYQSLAMA[Ala9=]NHGPPPGAYE

ClinVar aggregate classification (germline): Pathogenic (0 of 4 stars; one submission).

Conditions:
Congenital heart disease (CHD). Identifiers: MedGen C0152021, MONDO:0005453. Disease mechanism: unknown.

Submission:

Cytogenetics- Mohapatra Lab, Banaras Hindu University
Classification: Pathogenic for Congenital heart disease. Last evaluated: 2013-05-15. Review status: no assertion criteria provided. Collection method: case-control. Allele origin: unknown. Affected: yes. Observed: 1 variant allele.